The following is an entry in ClinVar:

ClinVar aggregate classification (germline): Conflicting classifications of pathogenicity. Review status: criteria provided, conflicting classifications (1 of 4 stars). 2 submissions from 2 submitters: Uncertain significance (1); Likely benign (1). Last evaluated 2025-08-27.

Conditions:
Clark-Baraitser syndrome. Also called: Intellectual disability, autosomal dominant 49; MENTAL RETARDATION, AUTOSOMAL DOMINANT 49; BARAITSER SYNDROME; Mental retardation, tall stature, obesity, macrocephaly and typical facial features. Identifiers: Orphanet 600731, MedGen C2931130, MONDO:0030914, OMIM 617752.
Inborn genetic diseases. Identifiers: MedGen C0950123, MeSH D030342.

Allele frequency attached by ClinVar (database versions not stated): TOPMed below 0.00001; gnomAD 0.00001; ExAC 0.00002; gnomAD exomes 0.00002.
gnomAD v4.1: 29 of 1,613,998 alleles (0.0018%); highest among the groups gnomAD compares: Non-Finnish European, 0.0023%; no homozygotes.

Submissions (2):

Ambry Genetics
Classification: Likely benign for Inborn genetic diseases. Last evaluated: 2025-08-27. Review status: criteria provided, single submitter. Criteria: Ambry Variant Classification Scheme 2023. Collection method: clinical testing. Allele origin: germline.

Centre for Mendelian Genomics, University Medical Centre Ljubljana
Classification: Uncertain significance for Clark-Baraitser syndrome. Last evaluated: 2020-01-08. Review status: criteria provided, single submitter. Criteria: ACMG Guidelines, 2015. Collection method: clinical testing. Allele origin: unknown. Affected: yes.
Comment: This variant was classified as: Uncertain significance. The available evidence on this variant's pathogenicity is insufficient or conflicting. The following ACMG criteria were applied in classifying this variant: PP3,BS2.

NM_001348323.3(TRIP12):c.2038A>G (p.Asn680Asp)

Gene: TRIP12 (thyroid hormone receptor interactor 12; minus strand). Cytogenetic location: 2q36.3.
Variant type: single nucleotide variant.
Coding change: c.2038A>G on transcript NM_001348323.3 (MANE Select); coding-DNA position 2038, A replaced by G.
Protein change: p.Asn680Asp; replaces asparagine 680 with aspartic acid.
Molecular consequence: missense variant.
Genome position (GRCh38, 1-based): chr2:229,811,153, T>C on the plus strand (A>G on the coding strand, the complement: TRIP12 is on the minus strand). VCF-style: chr2-229811153-T-C. GRCh37 (hg19) VCF-style: chr2-230675869-T-C.
Other names: c.2038A>G, p.Asn680Asp (NM_001284214.2, NM_001348315.2, NM_001348319.1 and 11 more transcripts); c.1912A>G, p.Asn638Asp (NM_001284215.2, NM_001348316.2, NM_001348317.1 and 2 more transcripts); c.1003A>G, p.Asn335Asp (NM_001284216.2); c.1951A>G, p.Asn651Asp (NM_001348332.1); c.1894A>G, p.Asn632Asp (NM_004238.3); c.1894A>G (NM_004238.1); short protein forms N632D, N680D, N335D, N651D, N638D.
Identifiers: ClinVar variation 930270 (VCV000930270.4), dbSNP rs772399122, ClinGen allele CA2153119.